The following is an entry in ClinVar:

NM_005359.6(SMAD4):c.341A>T (p.Tyr114Phe)

Gene: SMAD4 (SMAD family member 4; plus strand). Cytogenetic location: 18q21.2.
Variant type: single nucleotide variant.
Coding change: c.341A>T on transcript NM_005359.6 (MANE Select); coding-DNA position 341, A replaced by T.
Protein change: p.Tyr114Phe; replaces tyrosine 114 with phenylalanine.
Molecular consequence: missense variant. On other transcripts: non-coding transcript variant (2).
Genome position (GRCh38, 1-based): chr18:51,048,777, A>T. VCF-style: chr18-51048777-A-T. GRCh37 (hg19) VCF-style: chr18-48575147-A-T.
Other names: c.341A>T, p.Tyr114Phe (NM_001407041.1, NM_001407042.1, NM_001407043.1); short protein forms Y114F.
Identifiers: ClinVar variation 3445842 (VCV003445842.1).

ClinVar aggregate classification (germline): Uncertain significance (1 of 4 stars; one submission).

Conditions:
Familial thoracic aortic aneurysm and aortic dissection (TAAD). Also called: Thoracic aortic aneurysms and dissections. Identifiers: Orphanet 91387, MedGen C4707243, MONDO:0019625.
Hereditary cancer-predisposing syndrome. Also called: Tumor predisposition; Neoplastic Syndromes, Hereditary; Hereditary neoplastic syndrome; Hereditary Cancer Syndrome. Identifiers: Orphanet 140162, MedGen C0027672, MeSH D009386, MONDO:0015356.

Submission:

Ambry Genetics
Classification: Uncertain significance for Hereditary cancer-predisposing syndrome; Familial thoracic aortic aneurysm and aortic dissection. Last evaluated: 2024-07-17. Review status: criteria provided, single submitter. Criteria: Ambry Variant Classification Scheme 2023. Collection method: clinical testing. Allele origin: germline.
Comment: The p.Y114F variant (also known as c.341A>T), located in coding exon 2 of the SMAD4 gene, results from an A to T substitution at nucleotide position 341. The tyrosine at codon 114 is replaced by phenylalanine, an amino acid with highly similar properties. This amino acid position is conserved. In addition, this alteration is predicted to be tolerated by in silico analysis. Based on the available evidence, the clinical significance of this variant remains unclear.